The following is an entry in ClinVar:

NM_021076.4(NEFH):c.601G>T (p.Ala201Ser)

Gene: NEFH (neurofilament heavy chain; plus strand). Cytogenetic location: 22q12.2.
Variant type: single nucleotide variant.
Coding change: c.601G>T on transcript NM_021076.4 (MANE Select); coding-DNA position 601, G replaced by T.
Protein change: p.Ala201Ser; replaces alanine 201 with serine.
Molecular consequence: missense variant.
Genome position (GRCh38, 1-based): chr22:29,480,863, G>T. VCF-style: chr22-29480863-G-T. GRCh37 (hg19) VCF-style: chr22-29876852-G-T.
Other names: short protein forms A201S.
Identifiers: ClinVar variation 2903530 (VCV002903530.3), dbSNP rs1200689019, ClinGen allele CA411123344.

ClinVar aggregate classification (germline): Uncertain significance (1 of 4 stars; one submission).

Allele frequency attached by ClinVar (database versions not stated): gnomAD 0.00001.
gnomAD v4.1: 9 of 1,399,202 alleles (0.00064%); highest among the groups gnomAD compares: South Asian, 0.013%; no homozygotes.

Submission:

Labcorp Genetics (formerly Invitae), Labcorp
Classification: Uncertain significance. Last evaluated: 2025-06-11. Review status: criteria provided, single submitter. Criteria: Invitae Variant Classification Sherloc (09022015). Collection method: clinical testing. Allele origin: germline.
Comment: This sequence change replaces alanine, which is neutral and non-polar, with serine, which is neutral and polar, at codon 201 of the NEFH protein (p.Ala201Ser). This variant is not present in population databases (gnomAD no frequency). This variant has not been reported in the literature in individuals affected with NEFH-related conditions. ClinVar contains an entry for this variant (Variation ID: 2903530). Invitae Evidence Modeling of protein sequence and biophysical properties (such as structural, functional, and spatial information, amino acid conservation, physicochemical variation, residue mobility, and thermodynamic stability) indicates that this missense variant is not expected to disrupt NEFH protein function with a negative predictive value of 95%. In summary, the available evidence is currently insufficient to determine the role of this variant in disease. Therefore, it has been classified as a Variant of Uncertain Significance.